The following is an entry in ClinVar:

ClinVar aggregate classification (germline): Uncertain significance (1 of 4 stars; one submission).

Conditions:
Infantile spasms. Also called: Infantile spasm. Identifiers: MedGen C3887898, HP:0012469.

Submission:

Labcorp Genetics (formerly Invitae), Labcorp
Classification: Uncertain significance for Infantile spasms. Last evaluated: 2024-08-17. Review status: criteria provided, single submitter. Criteria: Invitae Variant Classification Sherloc (09022015). Collection method: clinical testing. Allele origin: germline.
Comment: This variant, c.1530_1532del, results in the deletion of 1 amino acid(s) of the PIK3AP1 protein (p.Glu510del), but otherwise preserves the integrity of the reading frame. This variant is present in population databases (rs752887348, gnomAD 0.004%). This variant has not been reported in the literature in individuals affected with PIK3AP1-related conditions. Experimental studies and prediction algorithms are not available or were not evaluated, and the functional significance of this variant is currently unknown. In summary, the available evidence is currently insufficient to determine the role of this variant in disease. Therefore, it has been classified as a Variant of Uncertain Significance.

NM_152309.3(PIK3AP1):c.1527AGA[1] (p.Glu510del)

Gene: PIK3AP1 (phosphoinositide-3-kinase adaptor protein 1; minus strand). Cytogenetic location: 10q24.1.
Variant type: Microsatellite.
Coding change: c.1527AGA[1] on transcript NM_152309.3 (MANE Select); one copy of the 3-base unit AGA starting at c.1527; the reference has two copies in a row; one copy, 3 bases deleted.
Protein change: p.Glu510del; deletes glutamic acid 510.
Molecular consequence: inframe deletion.
Genome position (GRCh38, 1-based): chr10:96,626,845-96,626,847, TCT deleted on the plus strand (AGA on the coding strand, the reverse complement: PIK3AP1 is on the minus strand); deleting any 3 consecutive bases within chr10:96,626,845-96,626,852 gives the same sequence; the position shown is the placement nearest the transcript's 3' end. VCF-style (leftmost placement, unchanged base first): chr10-96626844-ATCT-A. GRCh37 (hg19) VCF-style: chr10-98386601-ATCT-A.
Other names: short protein forms E510del.
Identifiers: ClinVar variation 1448703 (VCV001448703.8), dbSNP rs752887348, ClinGen allele CA5626226.
Genomic context (GRCh38, chr10:96,626,844, plus strand): 5'-AGGGGGCCTGCTGGCCAGGTCCACAGAAAAGGCCTCATCGTCATCCACCGTGTGATAAAC[ATCT>A]TCTTCCTGACCAAGATGGCACTGATCTCTCTCCAGATTGGTCATTCCCATGCTGTTGCCT-3'